The following is an entry in ClinVar:

NM_001308210.2(TSHZ1):c.993T>C (p.His331=)

Gene: TSHZ1 (teashirt zinc finger homeobox 1; plus strand). Cytogenetic location: 18q22.3.
Variant type: single nucleotide variant.
Coding change: c.993T>C on transcript NM_001308210.2 (MANE Select); coding-DNA position 993, T replaced by C.
Protein change: p.His331=; no amino-acid change (histidine 331 retained).
Molecular consequence: synonymous variant.
Genome position (GRCh38, 1-based): chr18:75,286,400, T>C. VCF-style: chr18-75286400-T-C. GRCh37 (hg19) VCF-style: chr18-72998355-T-C.
Other names: c.858T>C, p.His286= (NM_005786.6).
Identifiers: ClinVar variation 4999546 (VCV004999546.1).

ClinVar aggregate classification (germline): Likely benign (1 of 4 stars; one submission).

Conditions:
TSHZ1-related disorder. Also called: TSHZ1-related condition.

gnomAD v4.1: 144 of 1,614,084 alleles (0.0089%); highest among the groups gnomAD compares: Admixed American, 0.07%; no homozygotes.

Submission:

PreventionGenetics, part of Exact Sciences
Classification: Likely benign for TSHZ1-related condition. Last evaluated: 2024-12-23. Review status: criteria provided, single submitter. Criteria: ACMG Guidelines, 2015. Collection method: clinical testing. Allele origin: germline.
Comment: This variant is classified as likely benign based on ACMG/AMP sequence variant interpretation guidelines (Richards et al. 2015 PMID: 25741868, with internal and published modifications).